The following is an entry in ClinVar:

ClinVar aggregate classification (germline): Uncertain significance (1 of 4 stars; one submission).

Conditions:
Ataxia-telangiectasia syndrome (AT). Also called: Ataxia-telangiectasia, complementation group D; AT, COMPLEMENTATION GROUP C; ATAXIA-TELANGIECTASIA, COMPLEMENTATION GROUP A; ATAXIA-TELANGIECTASIA, FRESNO VARIANT; Ataxia-telangiectasia; Ataxia-telangiectasia, complementation group E. Identifiers: Orphanet 100, MedGen C0004135, MONDO:0008840, OMIM 208900.

gnomAD v4.1: 2 of 1,613,398 alleles (0.00012%); highest among the groups gnomAD compares: Non-Finnish European, 0.00017%; no homozygotes.

Submission:

Labcorp Genetics (formerly Invitae), Labcorp
Classification: Uncertain significance for Ataxia-telangiectasia syndrome. Last evaluated: 2024-06-23. Review status: criteria provided, single submitter. Criteria: Invitae Variant Classification Sherloc (09022015). Collection method: clinical testing. Allele origin: germline.
Comment: This sequence change replaces threonine, which is neutral and polar, with proline, which is neutral and non-polar, at codon 2674 of the ATM protein (p.Thr2674Pro). This variant is not present in population databases (gnomAD no frequency). This variant has not been reported in the literature in individuals affected with ATM-related conditions. An algorithm developed to predict the effect of missense changes on protein structure and function (PolyPhen-2) suggests that this variant is likely to be tolerated. In summary, the available evidence is currently insufficient to determine the role of this variant in disease. Therefore, it has been classified as a Variant of Uncertain Significance.

NM_000051.4(ATM):c.8020A>C (p.Thr2674Pro)

Genes: ATM (ATM serine/threonine kinase; plus strand), C11orf65 (chromosome 11 open reading frame 65; minus strand). Cytogenetic location: 11q22.3.
Variant type: single nucleotide variant.
Coding change: c.8020A>C on transcript NM_000051.4 (MANE Select); coding-DNA position 8020, A replaced by C.
Protein change: p.Thr2674Pro; replaces threonine 2674 with proline.
Molecular consequence: missense variant. On other transcripts: intron variant (2).
Genome position (GRCh38, 1-based): chr11:108,334,978, A>C. VCF-style: chr11-108334978-A-C. GRCh37 (hg19) VCF-style: chr11-108205705-A-C.
Other names: c.8020A>C, p.Thr2674Pro (NM_001351834.2); c.641-25907T>G (NM_001330368.2); c.*38+242T>G (NM_001351110.2); short protein forms T2674P.
Identifiers: ClinVar variation 3678359 (VCV003678359.2).